The following is an entry in ClinVar:

NM_001197104.2(KMT2A):c.10171C>T (p.Gln3391Ter)

Gene: KMT2A (lysine methyltransferase 2A; plus strand). Cytogenetic location: 11q23.3.
Variant type: single nucleotide variant.
Coding change: c.10171C>T on transcript NM_001197104.2 (MANE Select); coding-DNA position 10171, C replaced by T.
Protein change: p.Gln3391Ter; replaces glutamine 3391 with a stop codon.
Molecular consequence: nonsense.
Genome position (GRCh38, 1-based): chr11:118,506,063, C>T. VCF-style: chr11-118506063-C-T. GRCh37 (hg19) VCF-style: chr11-118376778-C-T.
Other names: c.10162C>T, p.Gln3388Ter (NM_005933.4); short protein forms Q3391*, Q3388*.
Identifiers: ClinVar variation 450707 (VCV000450707.4), dbSNP rs1555048203, ClinGen allele CA382822806.

ClinVar aggregate classification (germline): Pathogenic (1 of 4 stars; one submission).

Submission:

GeneDx
Classification: Pathogenic. Last evaluated: 2022-05-05. Review status: criteria provided, single submitter. Criteria: GeneDx Variant Classification Process June 2021. Collection method: clinical testing. Allele origin: germline. Affected: yes.
Comment: Nonsense variant predicted to result in protein truncation or nonsense mediated decay in a gene for which loss of function is a known mechanism of disease; Not observed at significant frequency in large population cohorts (gnomAD); Has not been previously reported as a pathogenic or benign germline variant to our knowledge; This variant is associated with the following publications: (PMID: Kurosawa2021[article])